The following is an entry in ClinVar:

NM_007192.4(SUPT16H):c.1069C>T (p.Arg357Cys)

Gene: SUPT16H (SPT16 homolog, facilitates chromatin remodeling subunit; minus strand). Cytogenetic location: 14q11.2.
Variant type: single nucleotide variant.
Coding change: c.1069C>T on transcript NM_007192.4 (MANE Select); coding-DNA position 1069, C replaced by T.
Protein change: p.Arg357Cys; replaces arginine 357 with cysteine.
Molecular consequence: missense variant.
Genome position (GRCh38, 1-based): chr14:21,365,121, G>A on the plus strand (C>T on the coding strand, the complement: SUPT16H is on the minus strand). VCF-style: chr14-21365121-G-A. GRCh37 (hg19) VCF-style: chr14-21833280-G-A.
Other names: short protein forms R357C.
Identifiers: ClinVar variation 4711891 (VCV004711891.1).
Genomic context (GRCh38, chr14:21,365,121, plus strand): 5'-GAAACTTACCTTTCTTCAGTTTGTATTGATTTTTGCTATTGATTACTAGGGAGCCTTCAC[G>A]GAATTCAATTCCCATCCCAAACCTGAAAAGAAACAGATAAACATCAGCAAAAGGCTAAAG-3'
Protein context (NP_009123.1, residues 347-367): NLGFGMGIEF[Arg357Cys]EGSLVINSKN

ClinVar aggregate classification (germline): Uncertain significance (1 of 4 stars; one submission).

Submission:

Labcorp Genetics (formerly Invitae), Labcorp
Classification: Uncertain significance. Last evaluated: 2025-01-26. Review status: criteria provided, single submitter. Criteria: Invitae Variant Classification Sherloc (09022015). Collection method: clinical testing. Allele origin: germline.
Comment: This sequence change replaces arginine, which is basic and polar, with cysteine, which is neutral and slightly polar, at codon 357 of the SUPT16H protein (p.Arg357Cys). This variant is not present in population databases (gnomAD no frequency). This variant has not been reported in the literature in individuals affected with SUPT16H-related conditions. An algorithm developed to predict the effect of missense changes on protein structure and function (PolyPhen-2) suggests that this variant is likely to be disruptive. In summary, the available evidence is currently insufficient to determine the role of this variant in disease. Therefore, it has been classified as a Variant of Uncertain Significance.